The following is an entry in ClinVar:

ClinVar aggregate classification (germline): Uncertain significance (1 of 4 stars; one submission).

Conditions:
Hypertrophic cardiomyopathy. Also called: HYPERTROPHIC MYOCARDIOPATHY. Identifiers: Orphanet 217569, MedGen C0007194, MeSH D002312, MONDO:0005045, HP:0001639.

Submission:

Labcorp Genetics (formerly Invitae), Labcorp
Classification: Uncertain significance for Hypertrophic cardiomyopathy. Last evaluated: 2022-01-11. Review status: criteria provided, single submitter. Criteria: Invitae Variant Classification Sherloc (09022015). Collection method: clinical testing. Allele origin: germline.
Comment: In summary, the available evidence is currently insufficient to determine the role of this variant in disease. Therefore, it has been classified as a Variant of Uncertain Significance. Algorithms developed to predict the effect of missense changes on protein structure and function (SIFT, PolyPhen-2, Align-GVGD) all suggest that this variant is likely to be tolerated. This variant has not been reported in the literature in individuals affected with MYBPC3-related conditions. This variant is not present in population databases (gnomAD no frequency). This sequence change replaces serine, which is neutral and polar, with arginine, which is basic and polar, at codon 286 of the MYBPC3 protein (p.Ser286Arg).

NM_000256.3(MYBPC3):c.858C>A (p.Ser286Arg)

Gene: MYBPC3 (myosin binding protein C3; minus strand). Cytogenetic location: 11p11.2.
Variant type: single nucleotide variant.
Coding change: c.858C>A on transcript NM_000256.3 (MANE Select); coding-DNA position 858, C replaced by A.
Protein change: p.Ser286Arg; replaces serine 286 with arginine.
Molecular consequence: missense variant.
Genome position (GRCh38, 1-based): chr11:47,347,473, G>T on the plus strand (C>A on the coding strand, the complement: MYBPC3 is on the minus strand). VCF-style: chr11-47347473-G-T. GRCh37 (hg19) VCF-style: chr11-47369024-G-T.
Other names: short protein forms S286R.
Identifiers: ClinVar variation 1464092 (VCV001464092.6), dbSNP rs1427676922, ClinGen allele CA380333380.